The following is an entry in ClinVar:

ClinVar aggregate classification (germline): Uncertain significance (1 of 4 stars; one submission).

Submission:

GeneDx
Classification: Uncertain significance. Last evaluated: 2024-04-03. Review status: criteria provided, single submitter. Criteria: GeneDx Variant Classification Process June 2021. Collection method: clinical testing. Allele origin: germline. Affected: yes.
Comment: Not observed at significant frequency in large population cohorts (gnomAD); In silico analysis supports that this missense variant has a deleterious effect on protein structure/function; Has not been previously published as pathogenic or benign to our knowledge

NM_016239.4(MYO15A):c.4699C>T (p.Leu1567Phe)

Gene: MYO15A (myosin XVA; plus strand). Cytogenetic location: 17p11.2.
Variant type: single nucleotide variant.
Coding change: c.4699C>T on transcript NM_016239.4 (MANE Select); coding-DNA position 4699, C replaced by T.
Protein change: p.Leu1567Phe; replaces leucine 1567 with phenylalanine.
Molecular consequence: missense variant.
Genome position (GRCh38, 1-based): chr17:18,136,606, C>T. VCF-style: chr17-18136606-C-T. GRCh37 (hg19) VCF-style: chr17-18039920-C-T.
Other names: short protein forms L1567F.
Identifiers: ClinVar variation 3371188 (VCV003371188.1).
Genomic context (GRCh38, chr17:18,136,606, plus strand): 5'-CACCACCTCTGCTCCAGGGACGCCATCGCCAAGGTCTTGTATGCACTGCTGTTCAGCTGG[C>T]TCATCACCAGGGTCAACGCGCTGGTGTCCCCAAGGCAGGACACACTGTCCATCGCCATCC-3'
Protein context (NP_057323.3, residues 1557-1577): KVLYALLFSW[Leu1567Phe]ITRVNALVSP